The following is an entry in ClinVar:

NM_002332.3(LRP1):c.8805C>T (p.Asp2935=)

Gene: LRP1 (LDL receptor related protein 1; plus strand). Cytogenetic location: 12q13.3.
Variant type: single nucleotide variant.
Coding change: c.8805C>T on transcript NM_002332.3 (MANE Select); coding-DNA position 8805, C replaced by T.
Protein change: p.Asp2935=; no amino-acid change (aspartic acid 2935 retained).
Molecular consequence: synonymous variant.
Genome position (GRCh38, 1-based): chr12:57,196,190, C>T. VCF-style: chr12-57196190-C-T. GRCh37 (hg19) VCF-style: chr12-57589973-C-T.
Identifiers: ClinVar variation 2643122 (VCV002643122.24), dbSNP rs1800193, ClinGen allele CA6644502.
Genomic context (GRCh38, chr12:57,196,190, plus strand): 5'-GCGCTGTGTGGCTGAGGCACTGCTCTGCAACGGCCAGGATGACTGTGGCGACAGCTCGGA[C>T]GAGCGTGGCTGCCACATCAATGAGTGTCTCAGCCGCAAGCTCAGTGGCTGCAGCCAGGAC-3'
Protein context (NP_002323.2, residues 2925-2945): NGQDDCGDSS[Asp2935=]ERGCHINECL

ClinVar aggregate classification (germline): Likely benign (1 of 4 stars; one submission).

Allele frequency attached by ClinVar (database versions not stated): 1000 Genomes Project 30x 0.00016; TOPMed 0.00056; ExAC 0.00068; ESP Exome Variant Server 0.00069; gnomAD 0.00074; gnomAD exomes 0.00081.
gnomAD v4.1: 1,268 of 1,612,180 alleles (0.079%); highest among the groups gnomAD compares: Non-Finnish European, 0.093%; 1 homozygote.

Submission:

CeGaT Center for Human Genetics Tuebingen
Classification: Likely benign. Last evaluated: 2026-03-01. Review status: criteria provided, single submitter. Criteria: CeGaT Center For Human Genetics Tuebingen Variant Classification Criteria Version 2. Collection method: clinical testing. Allele origin: germline. Affected: yes. Observed: 3 variant alleles.
Comment: LRP1: BP4, BP7